The following is an entry in ClinVar:

NM_001145809.2(MYH14):c.709G>A (p.Val237Met)

Gene: MYH14 (myosin heavy chain 14; plus strand). Cytogenetic location: 19q13.33.
Variant type: single nucleotide variant.
Coding change: c.709G>A on transcript NM_001145809.2 (MANE Select); coding-DNA position 709, G replaced by A.
Protein change: p.Val237Met; replaces valine 237 with methionine.
Molecular consequence: missense variant. On other transcripts: intron variant (1).
Genome position (GRCh38, 1-based): chr19:50,224,169, G>A. VCF-style: chr19-50224169-G-A. GRCh37 (hg19) VCF-style: chr19-50727426-G-A.
Other names: c.709G>A, p.Val237Met (NM_001077186.2); c.693+820G>A (NM_024729.4); short protein forms V237M.
Identifiers: ClinVar variation 4980254 (VCV004980254.1).

ClinVar aggregate classification (germline): Uncertain significance (1 of 4 stars; one submission).

Conditions:
MYH14-related disorder. Also called: MYH14-related condition.

gnomAD v4.1: 100 of 1,613,756 alleles (0.0062%); highest among the groups gnomAD compares: Non-Finnish European, 0.0075%; no homozygotes.

Submission:

PreventionGenetics, part of Exact Sciences
Classification: Uncertain significance for MYH14-related condition. Last evaluated: 2026-09-14. Review status: criteria provided, single submitter. Criteria: ACMG Guidelines, 2015. Collection method: clinical testing. Allele origin: germline.
Comment: The MYH14 c.709G>A variant is predicted to result in the amino acid substitution p.Val237Met. To our knowledge, this variant has not been reported in the literature. This variant is reported in 0.011% of alleles in individuals of European (Non-Finnish) descent in gnomAD. Although we suspect that this variant may be benign, at this time, the clinical significance of this variant is uncertain due to the absence of conclusive functional and genetic evidence.